The following is an entry in ClinVar:

NM_001999.4(FBN2):c.583C>T (p.Arg195Cys)

Gene: FBN2 (fibrillin 2; minus strand). Cytogenetic location: 5q23.3.
Variant type: single nucleotide variant.
Coding change: c.583C>T on transcript NM_001999.4 (MANE Select); coding-DNA position 583, C replaced by T.
Protein change: p.Arg195Cys; replaces arginine 195 with cysteine.
Molecular consequence: missense variant.
Genome position (GRCh38, 1-based): chr5:128,519,318, G>A on the plus strand (C>T on the coding strand, the complement: FBN2 is on the minus strand). VCF-style: chr5-128519318-G-A. GRCh37 (hg19) VCF-style: chr5-127855011-G-A.
Other names: short protein forms R195C.
Identifiers: ClinVar variation 1353886 (VCV001353886.8), dbSNP rs1561495424, ClinGen allele CA360755947.

ClinVar aggregate classification (germline): Uncertain significance (1 of 4 stars; one submission).

Conditions:
Congenital contractural arachnodactyly (CCA). Also called: BEALS SYNDROME; Beals-Hecht syndrome; Arthrogryposis, distal, type 9. Identifiers: Orphanet 115, MedGen C0220668, MONDO:0007363, OMIM 121050.

Allele frequency attached by ClinVar (database versions not stated): gnomAD exomes below 0.00001.
gnomAD v4.1: 2 of 1,613,856 alleles (0.00012%); highest among the groups gnomAD compares: East Asian, 0.0022%; no homozygotes.

Submission:

Labcorp Genetics (formerly Invitae), Labcorp
Classification: Uncertain significance for Congenital contractural arachnodactyly. Last evaluated: 2024-04-02. Review status: criteria provided, single submitter. Criteria: Invitae Variant Classification Sherloc (09022015). Collection method: clinical testing. Allele origin: germline.
Comment: This sequence change replaces arginine, which is basic and polar, with cysteine, which is neutral and slightly polar, at codon 195 of the FBN2 protein (p.Arg195Cys). This variant is not present in population databases (gnomAD no frequency). This variant has not been reported in the literature in individuals affected with FBN2-related conditions. ClinVar contains an entry for this variant (Variation ID: 1353886). Advanced modeling of protein sequence and biophysical properties (such as structural, functional, and spatial information, amino acid conservation, physicochemical variation, residue mobility, and thermodynamic stability) performed at Invitae indicates that this missense variant is not expected to disrupt FBN2 protein function with a negative predictive value of 95%. In summary, the available evidence is currently insufficient to determine the role of this variant in disease. Therefore, it has been classified as a Variant of Uncertain Significance.